The following is an entry in ClinVar:

ClinVar aggregate classification (germline): Uncertain significance (1 of 4 stars; one submission).

Submission:

Labcorp Genetics (formerly Invitae), Labcorp
Classification: Uncertain significance. Last evaluated: 2025-09-11. Review status: criteria provided, single submitter. Criteria: Invitae Variant Classification Sherloc (09022015). Collection method: clinical testing. Allele origin: germline.
Comment: This sequence change replaces arginine, which is basic and polar, with cysteine, which is neutral and slightly polar, at codon 251 of the BGN protein (p.Arg251Cys). This variant is not present in population databases (gnomAD no frequency). This variant has not been reported in the literature in individuals affected with BGN-related conditions. ClinVar contains an entry for this variant (Variation ID: 3606363). Invitae Evidence Modeling of protein sequence and biophysical properties (such as structural, functional, and spatial information, amino acid conservation, physicochemical variation, residue mobility, and thermodynamic stability) indicates that this missense variant is not expected to disrupt BGN protein function with a negative predictive value of 80%. In summary, the available evidence is currently insufficient to determine the role of this variant in disease. Therefore, it has been classified as a Variant of Uncertain Significance.

NM_001711.6(BGN):c.751C>T (p.Arg251Cys)

Gene: BGN (biglycan; plus strand). Cytogenetic location: Xq28.
Variant type: single nucleotide variant.
Coding change: c.751C>T on transcript NM_001711.6 (MANE Select); coding-DNA position 751, C replaced by T.
Protein change: p.Arg251Cys; replaces arginine 251 with cysteine.
Molecular consequence: missense variant.
Genome position (GRCh38, 1-based): chrX:153,506,904, C>T. VCF-style: chrX-153506904-C-T. GRCh37 (hg19) VCF-style: chrX-152772362-C-T.
Other names: short protein forms R251C.
Identifiers: ClinVar variation 3606363 (VCV003606363.2).